The following is an entry in ClinVar:

ClinVar aggregate classification (germline): Uncertain significance (1 of 4 stars; one submission).

Conditions:
Epileptic encephalopathy. Identifiers: MedGen C0543888, HP:0200134.

Allele frequency attached by ClinVar (database versions not stated): gnomAD exomes 0.00001 and 0.00003; gnomAD 0.00002; TOPMed 0.00002.
gnomAD v4.1: 23 of 1,605,144 alleles (0.0014%); highest among the groups gnomAD compares: Admixed American, 0.016%; no homozygotes.

Submission:

Labcorp Genetics (formerly Invitae), Labcorp
Classification: Uncertain significance for Epileptic encephalopathy. Last evaluated: 2024-06-05. Review status: criteria provided, single submitter. Criteria: Invitae Variant Classification Sherloc (09022015). Collection method: clinical testing. Allele origin: germline.
Comment: This sequence change replaces valine, which is neutral and non-polar, with isoleucine, which is neutral and non-polar, at codon 1092 of the FASN protein (p.Val1092Ile). This variant is present in population databases (rs771821775, gnomAD 0.02%). This variant has not been reported in the literature in individuals affected with FASN-related conditions. ClinVar contains an entry for this variant (Variation ID: 1349388). Algorithms developed to predict the effect of missense changes on protein structure and function output the following: SIFT: "Not Available"; PolyPhen-2: "Benign"; Align-GVGD: "Not Available". The isoleucine amino acid residue is found in multiple mammalian species, which suggests that this missense change does not adversely affect protein function. In summary, the available evidence is currently insufficient to determine the role of this variant in disease. Therefore, it has been classified as a Variant of Uncertain Significance.

NM_004104.5(FASN):c.3274G>A (p.Val1092Ile)

Gene: FASN (fatty acid synthase; minus strand). Cytogenetic location: 17q25.3.
Variant type: single nucleotide variant.
Coding change: c.3274G>A on transcript NM_004104.5 (MANE Select); coding-DNA position 3274, G replaced by A.
Protein change: p.Val1092Ile; replaces valine 1092 with isoleucine.
Molecular consequence: missense variant.
Genome position (GRCh38, 1-based): chr17:82,087,203, C>T on the plus strand (G>A on the coding strand, the complement: FASN is on the minus strand). VCF-style: chr17-82087203-C-T. GRCh37 (hg19) VCF-style: chr17-80045079-C-T.
Other names: short protein forms V1092I.
Identifiers: ClinVar variation 1349388 (VCV001349388.8), dbSNP rs771821775, ClinGen allele CA8852445.